The following is an entry in ClinVar:

NM_020436.5(SALL4):c.474_475del (p.Glu158fs)

Gene: SALL4 (spalt like transcription factor 4; minus strand). Cytogenetic location: 20q13.2.
Variant type: Microsatellite.
Coding change: c.474_475del on transcript NM_020436.5 (MANE Select); coding-DNA positions 474 to 475, 2 bases deleted (GA; older notation c.474_475delGA).
Protein change: p.Glu158fs; shifts the reading frame from glutamic acid 158.
Molecular consequence: frameshift variant.
Genome position (GRCh38, 1-based): chr20:51,792,008-51,792,009, TC deleted on the plus strand (GA on the coding strand, the reverse complement: SALL4 is on the minus strand); deleting any 2 consecutive bases within chr20:51,792,008-51,792,012 gives the same sequence; the c. name uses the placement nearest the transcript's 3' end. VCF-style (leftmost placement, unchanged base first): chr20-51792007-GTC-G. GRCh37 (hg19) VCF-style: chr20-50408546-GTC-G.
Other names: c.474_475del, p.Glu158fs (NM_001318031.2); short protein forms E158fs.
Identifiers: ClinVar variation 2087818 (VCV002087818.4), dbSNP rs2515718577, ClinGen allele CA2580616343.

ClinVar aggregate classification (germline): Pathogenic (1 of 4 stars; one submission).

Conditions:
Duane-radial ray syndrome (DRRS). Also called: ACRORENOOCULAR SYNDROME; DR SYNDROME; DUANE ANOMALY WITH RADIAL RAY ABNORMALITIES AND DEAFNESS; Okihiro Syndrome; Duane-Radial Ray Syndrome/Okihiro Syndrome; Duane-Radial Ray Syndrome (DRRS) / Okihiro Syndrome. Identifiers: Orphanet 93293, Orphanet 959, MedGen C1623209, MONDO:0011812, OMIM 607323. Disease mechanism: gain of function.

Submission:

Labcorp Genetics (formerly Invitae), Labcorp
Classification: Pathogenic for Duane-radial ray syndrome. Last evaluated: 2023-11-28. Review status: criteria provided, single submitter. Criteria: Invitae Variant Classification Sherloc (09022015). Collection method: clinical testing. Allele origin: germline.
Comment: This sequence change creates a premature translational stop signal (p.Glu158Aspfs*22) in the SALL4 gene. It is expected to result in an absent or disrupted protein product. Loss-of-function variants in SALL4 are known to be pathogenic (PMID: 15342710, 16086360). This variant is not present in population databases (gnomAD no frequency). This variant has not been reported in the literature in individuals affected with SALL4-related conditions. For these reasons, this variant has been classified as Pathogenic.

Literature cited by the submitters: PubMed 15342710; PubMed 16086360.